The following is an entry in ClinVar:

ClinVar aggregate classification (germline): Uncertain significance. Review status: criteria provided, multiple submitters, no conflicts (2 of 4 stars). 2 submissions from 2 submitters: Uncertain significance (2). Last evaluated 2025-04-09.

gnomAD v4.1: 37 of 1,613,824 alleles (0.0023%); highest among the groups gnomAD compares: Admixed American, 0.013%; no homozygotes.

Submissions (2):

Labcorp Genetics (formerly Invitae), Labcorp
Classification: Uncertain significance. Last evaluated: 2025-04-09. Review status: criteria provided, single submitter. Criteria: Invitae Variant Classification Sherloc (09022015). Collection method: clinical testing. Allele origin: germline.
Comment: This sequence change replaces glutamine, which is neutral and polar, with arginine, which is basic and polar, at codon 444 of the RPS6KC1 protein (p.Gln444Arg). This variant is present in population databases (rs540244780, gnomAD 0.004%). This variant has not been reported in the literature in individuals affected with RPS6KC1-related conditions. ClinVar contains an entry for this variant (Variation ID: 2354906). An algorithm developed to predict the effect of missense changes on protein structure and function (PolyPhen-2) suggests that this variant is likely to be tolerated. In summary, the available evidence is currently insufficient to determine the role of this variant in disease. Therefore, it has been classified as a Variant of Uncertain Significance.

Ambry Genetics
Classification: Uncertain significance. Last evaluated: 2024-10-08. Review status: criteria provided, single submitter. Criteria: Ambry Variant Classification Scheme 2023. Collection method: clinical testing. Allele origin: germline.

NM_012424.6(RPS6KC1):c.1331A>G (p.Gln444Arg)

Gene: RPS6KC1 (ribosomal protein S6 kinase C1; plus strand). Cytogenetic location: 1q32.3.
Variant type: single nucleotide variant.
Coding change: c.1331A>G on transcript NM_012424.6 (MANE Select); coding-DNA position 1331, A replaced by G.
Protein change: p.Gln444Arg; replaces glutamine 444 with arginine.
Molecular consequence: missense variant. On other transcripts: 5 prime UTR variant (11), non-coding transcript variant (4).
Genome position (GRCh38, 1-based): chr1:213,240,807, A>G. VCF-style: chr1-213240807-A-G. GRCh37 (hg19) VCF-style: chr1-213414150-A-G.
Other names: c.1295A>G, p.Gln432Arg (NM_001136138.4); c.695A>G, p.Gln232Arg (NM_001287218.3, NM_001287219.3, NM_001349654.2); c.-65A>G (NM_001287220.3, NM_001349663.2, NM_001349664.2 and 8 more transcripts); c.788A>G, p.Gln263Arg (NM_001287221.3, NM_001349648.2, NM_001349649.2 and 4 more transcripts); c.1238A>G, p.Gln413Arg (NM_001349646.2); c.968A>G, p.Gln323Arg (NM_001349647.2); c.440A>G, p.Gln147Arg (NM_001349657.2, NM_001349658.2); c.275A>G, p.Gln92Arg (NM_001349659.2, NM_001349660.2, NM_001349661.2 and 1 more transcripts); short protein forms Q147R, Q444R, Q413R, Q432R, Q92R, Q232R, Q263R, Q323R.
Identifiers: ClinVar variation 2354906 (VCV002354906.6), dbSNP rs540244780, ClinGen allele CA1387451.